The following is an entry in ClinVar:

NM_014270.5(SLC7A9):c.582C>T (p.Ser194=)

Gene: SLC7A9 (solute carrier family 7 member 9; minus strand). Cytogenetic location: 19q13.11.
Variant type: single nucleotide variant.
Coding change: c.582C>T on transcript NM_014270.5 (MANE Select); coding-DNA position 582, C replaced by T.
Protein change: p.Ser194=; no amino-acid change (serine 194 retained).
Molecular consequence: synonymous variant.
Genome position (GRCh38, 1-based): chr19:32,862,483, G>A on the plus strand (C>T on the coding strand, the complement: SLC7A9 is on the minus strand). VCF-style: chr19-32862483-G-A. GRCh37 (hg19) VCF-style: chr19-33353389-G-A.
Other names: c.582C>T (NM_014270.4); c.582C>T, p.Ser194= (NM_001126335.2, NM_001243036.2).
Identifiers: ClinVar variation 4726074 (VCV004726074.2).

ClinVar aggregate classification (germline): Likely benign. Review status: criteria provided, multiple submitters, no conflicts (2 of 4 stars). 2 submissions from 2 submitters: Likely benign (2). Last evaluated 2025-10-09.

Conditions:
SLC7A9-related disorder. Also called: SLC7A9-related condition.

gnomAD v4.1: 43 of 1,613,044 alleles (0.0027%); highest among the groups gnomAD compares: African/African-American, 0.0094%; no homozygotes.

Submissions (2):

Labcorp Genetics (formerly Invitae), Labcorp
Classification: Likely benign. Last evaluated: 2025-10-09. Review status: criteria provided, single submitter. Criteria: Invitae Variant Classification Sherloc (09022015). Collection method: clinical testing. Allele origin: germline.

PreventionGenetics, part of Exact Sciences
Classification: Likely benign for SLC7A9-related condition. Last evaluated: 2025-03-12. Review status: criteria provided, single submitter. Criteria: ACMG Guidelines, 2015. Collection method: clinical testing. Allele origin: germline.
Comment: This variant is classified as likely benign based on ACMG/AMP sequence variant interpretation guidelines (Richards et al. 2015 PMID: 25741868, with internal and published modifications).